The following is an entry in ClinVar:

ClinVar aggregate classification (germline): Uncertain significance. Review status: criteria provided, multiple submitters, no conflicts (2 of 4 stars). 2 submissions from 2 submitters: Uncertain significance (2). Last evaluated 2025-09-07.

Conditions:
Inborn genetic diseases. Identifiers: MedGen C0950123, MeSH D030342.
Autosomal dominant spastic paraplegia type 9. Identifiers: MedGen C1832669, MONDO:0015091.
de Barsy syndrome. Also called: Cutis laxa-corneal clouding-oligophrenia syndrome. Identifiers: Orphanet 2962, MedGen C0268354, MONDO:0017569.
Cutis laxa, autosomal dominant 3 (ADCL3). Identifiers: Orphanet 90348, MedGen C4225268, MONDO:0014706, OMIM 616603.

Allele frequency attached by ClinVar (database versions not stated): gnomAD exomes 0.00007 and 0.00009; ExAC 0.00013; gnomAD 0.00004 and 0.00003; TOPMed 0.00004; 1000 Genomes Project 30x 0.00031; 1000 Genomes Project 0.00040.
gnomAD v4.1: 115 of 1,614,100 alleles (0.0071%); highest among the groups gnomAD compares: Middle Eastern, 0.017%; no homozygotes.

Submissions (2):

Labcorp Genetics (formerly Invitae), Labcorp
Classification: Uncertain significance for Autosomal dominant spastic paraplegia type 9; de Barsy syndrome; Cutis laxa, autosomal dominant 3. Last evaluated: 2025-09-07. Review status: criteria provided, single submitter. Criteria: Invitae Variant Classification Sherloc (09022015). Collection method: clinical testing. Allele origin: germline.
Comment: This sequence change replaces arginine, which is basic and polar, with histidine, which is basic and polar, at codon 41 of the ALDH18A1 protein (p.Arg41His). This variant is present in population databases (rs192921117, gnomAD 0.04%). This variant has not been reported in the literature in individuals affected with ALDH18A1-related conditions. ClinVar contains an entry for this variant (Variation ID: 1521064). An algorithm developed to predict the effect of missense changes on protein structure and function (PolyPhen-2) suggests that this variant is likely to be tolerated. In summary, the available evidence is currently insufficient to determine the role of this variant in disease. Therefore, it has been classified as a Variant of Uncertain Significance.

Ambry Genetics
Classification: Uncertain significance for Inborn genetic diseases. Last evaluated: 2023-06-23. Review status: criteria provided, single submitter. Criteria: Ambry Variant Classification Scheme 2023. Collection method: clinical testing. Allele origin: germline.

NM_002860.4(ALDH18A1):c.122G>A (p.Arg41His)

Gene: ALDH18A1 (aldehyde dehydrogenase 18 family member A1; minus strand). Cytogenetic location: 10q24.1.
Variant type: single nucleotide variant.
Coding change: c.122G>A on transcript NM_002860.4 (MANE Select); coding-DNA position 122, G replaced by A.
Protein change: p.Arg41His; replaces arginine 41 with histidine.
Molecular consequence: missense variant. On other transcripts: intron variant (4).
Genome position (GRCh38, 1-based): chr10:95,643,173, C>T on the plus strand (G>A on the coding strand, the complement: ALDH18A1 is on the minus strand). VCF-style: chr10-95643173-C-T. GRCh37 (hg19) VCF-style: chr10-97402930-C-T.
Other names: c.122G>A (NM_002860.3); c.122G>A, p.Arg41His (NM_001017423.2, NM_001323413.2, NM_001323414.2 and 2 more transcripts); c.-78-9524G>A (NM_001323419.2); c.-30-5737G>A (NM_001323412.2, NM_001323418.2, NM_001323416.2); short protein forms R41H.
Identifiers: ClinVar variation 1521064 (VCV001521064.10), dbSNP rs192921117, ClinGen allele CA5620679.